The following is an entry in ClinVar:

ClinVar aggregate classification (germline): Likely pathogenic (1 of 4 stars; one submission).

Conditions:
Multiple endocrine neoplasia, type 1 (MEN1). Also called: MEA I; Endocrine adenomatosis multiple; MEN 1; MEN I; WERMER SYNDROME. Identifiers: Orphanet 652, MedGen C0025267, MeSH D018761, MONDO:0007540, OMIM 131100.

Submission:

3billion
Classification: Likely pathogenic for Multiple endocrine neoplasia, type 1. Last evaluated: 2025-02-13. Review status: criteria provided, single submitter. Criteria: ACMG Guidelines, 2015. Collection method: clinical testing. Allele origin: germline. Affected: yes.
Comment: The variant is not observed in the gnomAD v4.1.0 dataset. Predicted Consequence/Location: Canonical splice site: predicted to alter splicing and result in a loss or disruption of normal protein function. Multiple pathogenic loss-of-function variants are reported downstream of the variant. In silico tools predict the variant to alter splicing and produce an abnormal transcript [SpliceAI: 1.00 (spliceogenicity >=0.2, non-spliceogenicity <0.1)]. Therefore, this variant is classified as Likely pathogenic according to the recommendation of ACMG/AMP guideline.

NM_001370259.2(MEN1):c.1050-1_1054del

Gene: MEN1 (menin 1; minus strand). Cytogenetic location: 11q13.1.
Variant type: Deletion.
Coding change: c.1050-1_1054del on transcript NM_001370259.2 (MANE Select); the canonical splice acceptor site of the intron before coding-DNA position 1050 through coding-DNA position 1054, 6 bases deleted (GCTACA; older notation c.1050-1_1054delGCTACA).
Molecular consequence: splice acceptor variant.
Genome position (GRCh38, 1-based): chr11:64,805,766-64,805,771, TGTAGC deleted on the plus strand (GCTACA on the coding strand, the reverse complement: MEN1 is on the minus strand); deleting any 6 consecutive bases within chr11:64,805,766-64,805,774 gives the same sequence; the c. name uses the placement nearest the transcript's 3' end. VCF-style (leftmost placement, unchanged base first): chr11-64805765-TTGTAGC-T. GRCh37 (hg19) VCF-style: chr11-64573237-TTGTAGC-T.
Other names: c.1065-1_1069del (NM_130804.3, NM_130803.3, NM_000244.4 and 4 more transcripts); c.945-1_949del (NM_001407148.1, NM_001407149.1, NM_001370263.2 and 1 more transcripts); c.1050-1_1054del (NM_130799.3, NM_001370260.2, NM_001407152.1 and 3 more transcripts); c.1176-1_1180del (NM_001407144.1, NM_001370251.2, NM_001407142.1 and 1 more transcripts); c.1071-1_1075del (NM_001407151.1); c.1191-1_1195del (NM_001407150.1).
Identifiers: ClinVar variation 4293441 (VCV004293441.1).